The following is an entry in ClinVar:

ClinVar aggregate classification (germline): Uncertain significance (1 of 4 stars; one submission).

gnomAD v4.1: 12 of 1,614,068 alleles (0.00074%); highest among the groups gnomAD compares: Non-Finnish European, 0.00093%; no homozygotes.

Submission:

GeneDx
Classification: Uncertain significance. Last evaluated: 2025-02-25. Review status: criteria provided, single submitter. Criteria: GeneDx Variant Classification Process June 2021. Collection method: clinical testing. Allele origin: germline. Affected: yes.
Comment: Not observed at significant frequency in large population cohorts (gnomAD); In silico analysis indicates that this variant does not alter splicing; Has not been previously published as pathogenic or benign to our knowledge

NM_017775.4(TTC19):c.1033C>T (p.Leu345=)

Gene: TTC19 (tetratricopeptide repeat domain 19; plus strand). Cytogenetic location: 17p12.
Variant type: single nucleotide variant.
Coding change: c.1033C>T on transcript NM_017775.4 (MANE Select); coding-DNA position 1033, C replaced by T.
Protein change: p.Leu345=; no amino-acid change (leucine 345 retained).
Molecular consequence: synonymous variant.
Genome position (GRCh38, 1-based): chr17:16,027,412, C>T. VCF-style: chr17-16027412-C-T. GRCh37 (hg19) VCF-style: chr17-15930726-C-T.
Other names: c.712C>T, p.Leu238= (NM_001271420.2).
Identifiers: ClinVar variation 4076693 (VCV004076693.1).